The following is an entry in ClinVar:

ClinVar aggregate classification (germline): Uncertain significance (1 of 4 stars; one submission).

gnomAD v4.1: 10 of 1,604,942 alleles (0.00062%); highest among the groups gnomAD compares: South Asian, 0.011%; no homozygotes.

Submission:

GeneDx
Classification: Uncertain significance. Last evaluated: 2024-10-15. Review status: criteria provided, single submitter. Criteria: GeneDx Variant Classification Process June 2021. Collection method: clinical testing. Allele origin: germline. Affected: yes.
Comment: Has not been previously published as pathogenic or benign to our knowledge; In silico analysis is inconclusive as to whether the variant alters gene splicing. In the absence of RNA/functional studies, the actual effect of this sequence change is unknown.

NM_016030.6(TRAPPC12):c.1418-23A>G

Gene: TRAPPC12 (trafficking protein particle complex subunit 12; plus strand). Cytogenetic location: 2p25.3.
Variant type: single nucleotide variant.
Coding change: c.1418-23A>G on transcript NM_016030.6 (MANE Select); 23 bases into the intron before coding-DNA position 1418, A replaced by G.
Molecular consequence: intron variant.
Genome position (GRCh38, 1-based): chr2:3,443,756, A>G. VCF-style: chr2-3443756-A-G. GRCh37 (hg19) VCF-style: chr2-3447527-A-G.
Other names: c.1418-23A>G (NM_001321102.2).
Identifiers: ClinVar variation 3781149 (VCV003781149.1).
Genomic context (GRCh38, chr2:3,443,756, plus strand): 5'-GCGACGCCTCCTTCAAGTGTGCCAAGTATGAATGCGTGCTCAGTTATGGCAAACAAACTC[A>G]CTCAGCACTGATTGGATTCCAGGCTCCATGGTCCCCTTCTCGATGCGCATCTTGCACGCG-3'